The following is an entry in ClinVar:

ClinVar aggregate classification (germline): Pathogenic (1 of 4 stars; one submission).

Conditions:
Renal cysts and diabetes syndrome (RCAD). Also called: Familial hypoplastic, glomerulocystic kidney; MATURITY-ONSET DIABETES OF THE YOUNG, TYPE 5. Identifiers: Orphanet 93111, MedGen C0431693, MONDO:0007669, OMIM 137920.

Submission:

Institute of Human Genetics, FAU Erlangen, Friedrich-Alexander-Universität Erlangen-Nürnberg
Classification: Pathogenic for Renal cysts and diabetes syndrome. Last evaluated: 2019-07-06. Review status: criteria provided, single submitter. Criteria: ACMG Guidelines, 2015. Collection method: literature only. Allele origin: germline. Affected: yes.
Comment: This variant and it's classification has been reported by Vasileiou et al. 2019; DOI:10.1101/576918. The variants has previously been reported in PMID:27234567 as "c.1048dup p.V350fs" with clinical significance Pathogenic. It has been re-classified using InterVar and manual curation as Pathogenic based on PVS1 PM2 PP3.

Literature cited by the submitters: PubMed 27234567; DOI 10.1101/576918.

NM_000458.4(HNF1B):c.1048dup (p.Val350fs)

Gene: HNF1B (HNF1 homeobox B; minus strand). Cytogenetic location: 17q12.
Variant type: Duplication.
Coding change: c.1048dup on transcript NM_000458.4 (MANE Select); coding-DNA position 1048, one base duplicated (G; older notation c.1048dupG).
Protein change: p.Val350fs; shifts the reading frame from valine 350.
Molecular consequence: frameshift variant.
Genome position (GRCh38, 1-based): chr17:37,710,661, C duplicated on the plus strand (G on the coding strand, the reverse complement: HNF1B is on the minus strand). VCF-style (leftmost placement, unchanged base first): chr17-37710660-A-AC. GRCh37 (hg19) VCF-style: chr17-36070668-A-AC.
Other names: c.970dup, p.Val324fs (NM_001165923.4, NM_001304286.2); short protein forms V350fs, V324fs.
Identifiers: ClinVar variation 635609 (VCV000635609.1), dbSNP rs2511724255, ClinGen allele CA913190762.